The following is an entry in ClinVar:

NM_006790.3(MYOT):c.367T>A (p.Ser123Thr)

Genes: MYOT (myotilin; plus strand), PKD2L2-DT (PKD2L2 divergent transcript; minus strand). Cytogenetic location: 5q31.2.
Variant type: single nucleotide variant.
Coding change: c.367T>A on transcript NM_006790.3 (MANE Select); coding-DNA position 367, T replaced by A.
Protein change: p.Ser123Thr; replaces serine 123 with threonine.
Molecular consequence: missense variant. On other transcripts: 5 prime UTR variant (1).
Genome position (GRCh38, 1-based): chr5:137,875,839, T>A. VCF-style: chr5-137875839-T-A. GRCh37 (hg19) VCF-style: chr5-137211528-T-A.
Other names: c.-186T>A (NM_001135940.2); c.22T>A, p.Ser8Thr (NM_001300911.2); short protein forms S123T, S8T.
Identifiers: ClinVar variation 3665813 (VCV003665813.3).
Genomic context (GRCh38, chr5:137,875,839, plus strand): 5'-ATGAGGCCAAGACCTTCTTTTTAAAAATCTTTTCTTTTTCCTTTTTAAAGCTATCAACAG[T>A]CCTCAGCTGGCCAACCTATAAATGCAAAGCCATCCCAAACTGCAAATGCTAAGCCCATAC-3'
Protein context (NP_006781.1, residues 113-133): PSAMDSNYQQ[Ser123Thr]SAGQPINAKP

ClinVar aggregate classification (germline): Uncertain significance. Review status: criteria provided, multiple submitters, no conflicts (2 of 4 stars). 2 submissions from 2 submitters: Uncertain significance (2). Last evaluated 2025-08-07.

Conditions:
Inborn genetic diseases. Identifiers: MedGen C0950123, MeSH D030342.
Myofibrillar myopathy 3 (MFM3). Also called: Muscular dystrophy, proximal, type 1A; Autosomal dominant spheroid body myopathy. Identifiers: Orphanet 266, Orphanet 268129, MedGen C3714934, MONDO:0012215, OMIM 609200.

gnomAD v4.1: 4 of 1,613,930 alleles (0.00025%); highest among the groups gnomAD compares: Admixed American, 0.0067%; no homozygotes.

Submissions (2):

Ambry Genetics
Classification: Uncertain significance for Inborn genetic diseases. Last evaluated: 2025-08-07. Review status: criteria provided, single submitter. Criteria: Ambry Variant Classification Scheme 2023. Collection method: clinical testing. Allele origin: germline.

Labcorp Genetics (formerly Invitae), Labcorp
Classification: Uncertain significance for Myofibrillar myopathy 3. Last evaluated: 2024-05-10. Review status: criteria provided, single submitter. Criteria: Invitae Variant Classification Sherloc (09022015). Collection method: clinical testing. Allele origin: germline.
Comment: This sequence change replaces serine, which is neutral and polar, with threonine, which is neutral and polar, at codon 123 of the MYOT protein (p.Ser123Thr). This variant is present in population databases (rs780963467, gnomAD 0.009%). This variant has not been reported in the literature in individuals affected with MYOT-related conditions. An algorithm developed to predict the effect of missense changes on protein structure and function (PolyPhen-2) suggests that this variant is likely to be tolerated. In summary, the available evidence is currently insufficient to determine the role of this variant in disease. Therefore, it has been classified as a Variant of Uncertain Significance.